The following is an entry in ClinVar:

ClinVar aggregate classification (germline): Likely pathogenic (1 of 4 stars; one submission).

Conditions:
Myopathy, centronuclear, 2 (CNM2). Also called: MYOTUBULAR MYOPATHY, AUTOSOMAL RECESSIVE. Identifiers: Orphanet 169186, MedGen CN031787, MONDO:0009709, OMIM 255200.

Submission:

Juno Genomics, Hangzhou Juno Genomics, Inc
Classification: Likely pathogenic for Myopathy, centronuclear, 2. Review status: criteria provided, single submitter. Criteria: ACMG Guidelines, 2015. Collection method: clinical testing. Allele origin: germline.
Comment: Absent from controls (or at extremely low frequency if recessive) in Genome Aggregation Database.;Null variant in a gene where loss of function (LOF) is a known mechanism of disease.

NM_139343.3(BIN1):c.559del (p.Gln187fs)

Gene: BIN1 (bridging integrator 1; minus strand). Cytogenetic location: 2q14.3.
Variant type: Deletion.
Coding change: c.559del on transcript NM_139343.3 (MANE Select); coding-DNA position 559, one base deleted (C; older notation c.559delC).
Protein change: p.Gln187fs; shifts the reading frame from glutamine 187.
Molecular consequence: frameshift variant. On other transcripts: intron variant (10).
Genome position (GRCh38, 1-based): chr2:127,068,216, G deleted on the plus strand (C on the coding strand, the reverse complement: BIN1 is on the minus strand); the first of 2 consecutive G bases (chr2:127,068,216-127,068,217); deleting either gives the same sequence. VCF-style (leftmost placement, unchanged base first): chr2-127068215-TG-T. GRCh37 (hg19) VCF-style: chr2-127825791-TG-T.
Other names: c.559del, p.Gln187fs (NM_001320633.2, NM_001320640.2, NM_139344.3 and 1 more transcripts); c.478del, p.Gln160fs (NM_001320642.1); c.447+708del (NM_001320634.1); c.519+708del (NM_139351.3, NM_139350.3, NM_139349.3 and 6 more transcripts); short protein forms Q160fs, Q187fs.
Identifiers: ClinVar variation 5019925 (VCV005019925.2).